The following is an entry in ClinVar:

ClinVar aggregate classification (germline): Uncertain significance (1 of 4 stars; one submission).

Allele frequency attached by ClinVar (database versions not stated): gnomAD exomes 0.00001; ExAC 0.00002; ESP Exome Variant Server 0.00008.
gnomAD v4.1: 9 of 1,614,098 alleles (0.00056%); highest among the groups gnomAD compares: Non-Finnish European, 0.00068%; no homozygotes.

Submission:

Labcorp Genetics (formerly Invitae), Labcorp
Classification: Uncertain significance. Last evaluated: 2021-03-26. Review status: criteria provided, single submitter. Criteria: Invitae Variant Classification Sherloc (09022015). Collection method: clinical testing. Allele origin: germline.
Comment: This variant is present in population databases (rs376117554, ExAC 0.003%). This sequence change replaces lysine with arginine at codon 853 of the CNGB1 protein (p.Lys853Arg). The lysine residue is weakly conserved and there is a small physicochemical difference between lysine and arginine. This variant has not been reported in the literature in individuals with CNGB1-related conditions. In summary, the available evidence is currently insufficient to determine the role of this variant in disease. Therefore, it has been classified as a Variant of Uncertain Significance. Algorithms developed to predict the effect of sequence changes on RNA splicing suggest that this variant may create or strengthen a splice site, but this prediction has not been confirmed by published transcriptional studies. Advanced modeling of protein sequence and biophysical properties (such as structural, functional, and spatial information, amino acid conservation, physicochemical variation, residue mobility, and thermodynamic stability) performed at Invitae indicates that this missense variant is not expected to disrupt CNGB1 protein function.

NM_001297.5(CNGB1):c.2558A>G (p.Lys853Arg)

Gene: CNGB1 (cyclic nucleotide gated channel subunit beta 1; minus strand). Cytogenetic location: 16q21.
Variant type: single nucleotide variant.
Coding change: c.2558A>G on transcript NM_001297.5 (MANE Select); coding-DNA position 2558, A replaced by G.
Protein change: p.Lys853Arg; replaces lysine 853 with arginine.
Molecular consequence: missense variant.
Genome position (GRCh38, 1-based): chr16:57,904,810, T>C on the plus strand (A>G on the coding strand, the complement: CNGB1 is on the minus strand). VCF-style: chr16-57904810-T-C. GRCh37 (hg19) VCF-style: chr16-57938714-T-C.
Other names: c.2540A>G, p.Lys847Arg (NM_001286130.2); short protein forms K853R, K847R.
Identifiers: ClinVar variation 1486325 (VCV001486325.8), dbSNP rs376117554, ClinGen allele CA8082926.